The following is an entry in ClinVar:

NM_000059.4(BRCA2):c.5401C>T (p.Pro1801Ser)

Gene: BRCA2 (BRCA2 DNA repair associated; plus strand). Cytogenetic location: 13q13.1.
Variant type: single nucleotide variant.
Coding change: c.5401C>T on transcript NM_000059.4 (MANE Select); coding-DNA position 5401, C replaced by T.
Protein change: p.Pro1801Ser; replaces proline 1801 with serine.
Molecular consequence: missense variant.
Genome position (GRCh38, 1-based): chr13:32,339,756, C>T. VCF-style: chr13-32339756-C-T. GRCh37 (hg19) VCF-style: chr13-32913893-C-T.
Other names: short protein forms P1801S.
Identifiers: ClinVar variation 1062541 (VCV001062541.13), dbSNP rs2072528556, ClinGen allele CA387785325.

ClinVar aggregate classification (germline): Conflicting classifications of pathogenicity. Review status: criteria provided, conflicting classifications (1 of 4 stars). 4 submissions from 4 submitters: Uncertain significance (3); Likely benign (1). Last evaluated 2026-03-28.

Conditions:
Hereditary cancer-predisposing syndrome. Also called: Hereditary Cancer Syndrome; Hereditary neoplastic syndrome; Neoplastic Syndromes, Hereditary; Tumor predisposition. Identifiers: Orphanet 140162, MedGen C0027672, MeSH D009386, MONDO:0015356.
Hereditary breast ovarian cancer syndrome. Also called: Hereditary breast and/or ovarian cancer syndrome; Hereditary breast and ovarian cancer syndrome; Hereditary breast and ovarian cancer syndrome (HBOC); BRCA1- and BRCA2-Associated Hereditary Breast and Ovarian Cancer; Hereditary breast and ovarian cancer; Breast and ovarian cancer. Identifiers: Orphanet 145, MedGen C0677776, MeSH D061325, MONDO:0003582. Disease mechanism: loss of function.

Allele frequency attached by ClinVar (database versions not stated): gnomAD 0.00001.
gnomAD v4.1: 1 of 1,613,568 alleles (0.000062%); highest among the groups gnomAD compares: Non-Finnish European, 0.000085%; no homozygotes.

Submissions (4):

GeneDx
Classification: Uncertain significance. Last evaluated: 2026-03-28. Review status: criteria provided, single submitter. Criteria: GeneDx Variant Classification Process June 2021. Collection method: clinical testing. Allele origin: germline.
Comment: Not observed at significant frequency in large population cohorts (gnomAD); In silico analysis supports that this missense variant has a deleterious effect on protein structure/function; Has not been previously published as pathogenic or benign to our knowledge; Also known as 5629C>T; This variant is associated with the following publications: (PMID: 31911673)

University of Washington Department of Laboratory Medicine, University of Washington
Classification: Likely benign for Hereditary cancer-predisposing syndrome. Last evaluated: 2023-03-23. Review status: criteria provided, single submitter. Criteria: Dines et al. (Genet Med. 2020). Collection method: curation. Allele origin: germline.
Comment: Missense variant in a coldspot region where missense variants are very unlikely to be pathogenic (PMID:31911673).

BRCA2 exon 11 coldspot. Reclassification based on statistical prior probability.

Ambry Genetics
Classification: Uncertain significance for Hereditary cancer-predisposing syndrome. Last evaluated: 2022-01-01. Review status: criteria provided, single submitter. Criteria: Ambry Variant Classification Scheme 2023. Collection method: clinical testing. Allele origin: germline.
Comment: The p.P1801S variant (also known as c.5401C>T), located in coding exon 10 of the BRCA2 gene, results from a C to T substitution at nucleotide position 5401. The proline at codon 1801 is replaced by serine, an amino acid with similar properties. This amino acid position is conserved. In addition, this alteration is predicted to be tolerated by in silico analysis. Since supporting evidence is limited at this time, the clinical significance of this alteration remains unclear.

Labcorp Genetics (formerly Invitae), Labcorp
Classification: Uncertain significance for Hereditary breast ovarian cancer syndrome. Last evaluated: 2020-05-27. Review status: criteria provided, single submitter. Criteria: Invitae Variant Classification Sherloc (09022015). Collection method: clinical testing. Allele origin: germline.
Comment: This sequence change replaces proline with serine at codon 1801 of the BRCA2 protein (p.Pro1801Ser). The proline residue is weakly conserved and there is a moderate physicochemical difference between proline and serine. In summary, the available evidence is currently insufficient to determine the role of this variant in disease. Therefore, it has been classified as a Variant of Uncertain Significance. Algorithms developed to predict the effect of missense changes on protein structure and function output the following: SIFT: "Tolerated"; PolyPhen-2: "Benign"; Align-GVGD: "Class C0". The serine amino acid residue is found in multiple mammalian species, suggesting that this missense change does not adversely affect protein function. These predictions have not been confirmed by published functional studies and their clinical significance is uncertain. This variant has not been reported in the literature in individuals with BRCA2-related conditions. This variant is not present in population databases (ExAC no frequency).